The following is an entry in ClinVar:

ClinVar aggregate classification (germline): Uncertain significance (1 of 4 stars; one submission).

Conditions:
Neuropathy, hereditary sensory and autonomic, type 2A (HSAN2A). Also called: ACROOSTEOLYSIS, GIACCAI TYPE; ACROOSTEOLYSIS, NEUROGENIC; MORVAN DISEASE; NEUROPATHY, CONGENITAL SENSORY; NEUROPATHY, HEREDITARY SENSORY RADICULAR, AUTOSOMAL RECESSIVE; NEUROPATHY, HEREDITARY SENSORY, TYPE IIA. Identifiers: Orphanet 970, MedGen C2752089, MONDO:0024309, OMIM 201300.
Generalized epilepsy with febrile seizures plus, type 7 (GEFSP7). Also called: GEFS+, TYPE 7. Identifiers: Orphanet 36387, MedGen C2751778, MONDO:0013470, OMIM 613863.

Submission:

Labcorp Genetics (formerly Invitae), Labcorp
Classification: Uncertain significance for Neuropathy, hereditary sensory and autonomic, type 2A; Generalized epilepsy with febrile seizures plus, type 7. Last evaluated: 2025-09-27. Review status: criteria provided, single submitter. Criteria: Invitae Variant Classification Sherloc (09022015). Collection method: clinical testing. Allele origin: germline.
Comment: This sequence change replaces serine, which is neutral and polar, with proline, which is neutral and non-polar, at codon 1686 of the SCN9A protein (p.Ser1686Pro). This variant is not present in population databases (gnomAD no frequency). This variant has not been reported in the literature in individuals affected with SCN9A-related conditions. Invitae Evidence Modeling of protein sequence and biophysical properties (such as structural, functional, and spatial information, amino acid conservation, physicochemical variation, residue mobility, and thermodynamic stability) has been performed for this missense variant. However, the output from this modeling did not meet the statistical confidence thresholds required to predict the impact of this variant on SCN9A protein function. In summary, the available evidence is currently insufficient to determine the role of this variant in disease. Therefore, it has been classified as a Variant of Uncertain Significance.

NM_001365536.1(SCN9A):c.5089T>C (p.Ser1697Pro)

Genes: SCN1A-AS1 (SCN1A and SCN9A antisense RNA 1; plus strand), SCN9A (sodium voltage-gated channel alpha subunit 9; minus strand). Cytogenetic location: 2q24.3.
Variant type: single nucleotide variant.
Coding change: c.5089T>C on transcript NM_001365536.1 (MANE Select); coding-DNA position 5089, T replaced by C.
Protein change: p.Ser1697Pro; replaces serine 1697 with proline.
Molecular consequence: missense variant.
Genome position (GRCh38, 1-based): chr2:166,199,550, A>G on the plus strand (T>C on the coding strand, the complement: SCN9A is on the minus strand). VCF-style: chr2-166199550-A-G. GRCh37 (hg19) VCF-style: chr2-167056060-A-G.
Other names: c.5056T>C, p.Ser1686Pro (NM_002977.4); short protein forms S1686P, S1697P.
Identifiers: ClinVar variation 4787543 (VCV004787543.1).